The following is an entry in ClinVar:

ClinVar aggregate classification (germline): Likely benign (1 of 4 stars; one submission).

Conditions:
Carnitine acylcarnitine translocase deficiency (CACTD). Identifiers: Orphanet 159, MedGen C0342791, MONDO:0008918, OMIM 212138.

Allele frequency attached by ClinVar (database versions not stated): TOPMed 0.00010; gnomAD 0.00030 and 0.00001; gnomAD exomes 0.00106; 1000 Genomes Project 0.00280; 1000 Genomes Project 30x 0.00281.

Submission:

Illumina Laboratory Services, Illumina
Classification: Likely benign for Carnitine acylcarnitine translocase deficiency. Last evaluated: 2018-01-12. Review status: criteria provided, single submitter. Criteria: ICSL Variant Classification Criteria 13 December 2019. Collection method: clinical testing. Allele origin: germline.
Comment: This variant was observed in the ICSL laboratory as part of a predisposition screen in an ostensibly healthy population. It had not been previously curated by ICSL or reported in the Human Gene Mutation Database (HGMD: prior to June 1st, 2018), and was therefore a candidate for classification through an automated scoring system. Utilizing variant allele frequency, disease prevalence and penetrance estimates, and inheritance mode, an automated score was calculated to assess if this variant is too frequent to cause the disease. Based on the score and internal cut-off values, a variant classified as likely benign is not then subjected to further curation. The score for this variant resulted in a classification of likely benign for this disease.

NM_000387.6(SLC25A20):c.*274C>T

Gene: SLC25A20 (solute carrier family 25 member 20; minus strand). Cytogenetic location: 3p21.31.
Variant type: single nucleotide variant.
Coding change: c.*274C>T on transcript NM_000387.6 (MANE Select); 274 bases downstream of the stop codon, C replaced by T.
Molecular consequence: 3 prime UTR variant.
Genome position (GRCh38, 1-based): chr3:48,857,436, G>A on the plus strand (C>T on the coding strand, the complement: SLC25A20 is on the minus strand). VCF-style: chr3-48857436-G-A. GRCh37 (hg19) VCF-style: chr3-48894869-G-A.
Identifiers: ClinVar variation 345937 (VCV000345937.5), dbSNP rs553907104, ClinGen allele CA10616896.